The following is an entry in ClinVar:

NM_001142800.2(EYS):c.9080G>A (p.Arg3027Lys)

Genes: EYS (eyes shut homolog; minus strand), PHF3 (PHD finger protein 3; plus strand). Cytogenetic location: 6q12.
Variant type: single nucleotide variant.
Coding change: c.9080G>A on transcript NM_001142800.2 (MANE Select); coding-DNA position 9080, G replaced by A.
Protein change: p.Arg3027Lys; replaces arginine 3027 with lysine.
Molecular consequence: missense variant. On other transcripts: 3 prime UTR variant (5).
Genome position (GRCh38, 1-based): chr6:63,720,951, C>T on the plus strand (G>A on the coding strand, the complement: EYS is on the minus strand). VCF-style: chr6-63720951-C-T. GRCh37 (hg19) VCF-style: chr6-64430847-C-T.
Other names: c.*7243C>T (NM_001290259.2, NM_001370348.2, NM_001370349.2 and 2 more transcripts); c.9143G>A, p.Arg3048Lys (NM_001292009.2); short protein forms R3027K, R3048K.
Identifiers: ClinVar variation 1348542 (VCV001348542.5), dbSNP rs901746105, ClinGen allele CA364383306.

ClinVar aggregate classification (germline): Uncertain significance (1 of 4 stars; one submission).

gnomAD v4.1: 5 of 1,551,330 alleles (0.00032%); highest among the groups gnomAD compares: Non-Finnish European, 0.00044%; no homozygotes.

Submission:

Labcorp Genetics (formerly Invitae), Labcorp
Classification: Uncertain significance. Last evaluated: 2022-10-17. Review status: criteria provided, single submitter. Criteria: Invitae Variant Classification Sherloc (09022015). Collection method: clinical testing. Allele origin: germline.
Comment: This sequence change replaces arginine, which is basic and polar, with lysine, which is basic and polar, at codon 3027 of the EYS protein (p.Arg3027Lys). This variant is not present in population databases (gnomAD no frequency). This variant has not been reported in the literature in individuals affected with EYS-related conditions. ClinVar contains an entry for this variant (Variation ID: 1348542). Algorithms developed to predict the effect of missense changes on protein structure and function output the following: SIFT: "Tolerated"; PolyPhen-2: "Benign"; Align-GVGD: "Class C0". The lysine amino acid residue is found in multiple mammalian species, which suggests that this missense change does not adversely affect protein function. In summary, the available evidence is currently insufficient to determine the role of this variant in disease. Therefore, it has been classified as a Variant of Uncertain Significance.